The following is an entry in ClinVar:

NM_001694.4(ATP6V0C):c.295G>A (p.Val99Met)

Gene: ATP6V0C (ATPase H+ transporting V0 subunit c; plus strand). Cytogenetic location: 16p13.3.
Variant type: single nucleotide variant.
Coding change: c.295G>A on transcript NM_001694.4 (MANE Select); coding-DNA position 295, G replaced by A.
Protein change: p.Val99Met; replaces valine 99 with methionine.
Molecular consequence: missense variant.
Genome position (GRCh38, 1-based): chr16:2,519,572, G>A. VCF-style: chr16-2519572-G-A. GRCh37 (hg19) VCF-style: chr16-2569573-G-A.
Other names: c.295G>A, p.Val99Met (NM_001198569.2); short protein forms V99M.
Identifiers: ClinVar variation 1800772 (VCV001800772.2), dbSNP rs1488182118, ClinGen allele CA394388050.

ClinVar aggregate classification (germline): Uncertain significance (1 of 4 stars; one submission).

Submission:

GeneDx
Classification: Uncertain significance. Last evaluated: 2025-09-12. Review status: criteria provided, single submitter. Criteria: GeneDx Variant Classification Process June 2021. Collection method: clinical testing. Allele origin: germline.
Comment: Not observed at significant frequency in large population cohorts (gnomAD); In silico analysis supports that this missense variant has a deleterious effect on protein structure/function; Has not been previously published as pathogenic or benign to our knowledge